The following is an entry in ClinVar:

ClinVar aggregate classification (germline): Uncertain significance (1 of 4 stars; one submission).

gnomAD v4.1: 7 of 1,613,530 alleles (0.00043%); highest among the groups gnomAD compares: Non-Finnish European, 0.00059%; no homozygotes.

Submission:

Labcorp Genetics (formerly Invitae), Labcorp
Classification: Uncertain significance. Last evaluated: 2024-04-25. Review status: criteria provided, single submitter. Criteria: Invitae Variant Classification Sherloc (09022015). Collection method: clinical testing. Allele origin: germline.
Comment: This sequence change replaces arginine, which is basic and polar, with proline, which is neutral and non-polar, at codon 499 of the MYSM1 protein (p.Arg499Pro). This variant is not present in population databases (gnomAD no frequency). This variant has not been reported in the literature in individuals affected with MYSM1-related conditions. ClinVar contains an entry for this variant (Variation ID: 2101765). An algorithm developed to predict the effect of missense changes on protein structure and function (PolyPhen-2) suggests that this variant is likely to be disruptive. In summary, the available evidence is currently insufficient to determine the role of this variant in disease. Therefore, it has been classified as a Variant of Uncertain Significance.

NM_001085487.3(MYSM1):c.1496G>C (p.Arg499Pro)

Gene: MYSM1 (Myb like, SWIRM and MPN domains 1; minus strand). Cytogenetic location: 1p32.1.
Variant type: single nucleotide variant.
Coding change: c.1496G>C on transcript NM_001085487.3 (MANE Select); coding-DNA position 1496, G replaced by C.
Protein change: p.Arg499Pro; replaces arginine 499 with proline.
Molecular consequence: missense variant.
Genome position (GRCh38, 1-based): chr1:58,673,649, C>G on the plus strand (G>C on the coding strand, the complement: MYSM1 is on the minus strand). VCF-style: chr1-58673649-C-G. GRCh37 (hg19) VCF-style: chr1-59139321-C-G.
Other names: short protein forms R499P.
Identifiers: ClinVar variation 2101765 (VCV002101765.4), dbSNP rs199719141, ClinGen allele CA340520934.